The following is an entry in ClinVar:

NM_001289104.2(PRKCSH):c.977_988del (p.Ala326_Glu329del)

Gene: PRKCSH (PRKCSH beta subunit of glucosidase II; plus strand). Cytogenetic location: 19p13.2.
Variant type: Deletion.
Coding change: c.977_988del on transcript NM_001289104.2 (MANE Select); coding-DNA positions 977 to 988, 12 bases deleted (CTGAAGAAGAGG).
Protein change: p.Ala326_Glu329del.
Molecular consequence: inframe deletion.
Genome position (GRCh38, 1-based): chr19:11,447,566-11,447,577, CTGAAGAAGAGG deleted; deleting any 12 consecutive bases within chr19:11,447,556-11,447,577 gives the same sequence; the c. name uses the placement nearest the transcript's 3' end. VCF-style (leftmost placement, unchanged base first): chr19-11447555-GGAAGAAGAGGCT-G. GRCh37 (hg19) VCF-style: chr19-11558370-GGAAGAAGAGGCT-G.
Other names: c.977_988del, p.Ala326_Glu329del (NM_001001329.3, NM_001289102.2, NM_001289103.2 and 3 more transcripts).
Identifiers: ClinVar variation 1900853 (VCV001900853.5), dbSNP rs770888874, ClinGen allele CA783257036.

ClinVar aggregate classification (germline): Uncertain significance (1 of 4 stars; one submission).

Submission:

Labcorp Genetics (formerly Invitae), Labcorp
Classification: Uncertain significance. Last evaluated: 2022-07-21. Review status: criteria provided, single submitter. Criteria: Invitae Variant Classification Sherloc (09022015). Collection method: clinical testing. Allele origin: germline.
Comment: This variant, c.977_988del, results in the deletion of 4 amino acid(s) of the PRKCSH protein (p.Ala326_Glu329del), but otherwise preserves the integrity of the reading frame. This variant is not present in population databases (gnomAD no frequency). This variant has not been reported in the literature in individuals affected with PRKCSH-related conditions. Experimental studies and prediction algorithms are not available or were not evaluated, and the functional significance of this variant is currently unknown. In summary, the available evidence is currently insufficient to determine the role of this variant in disease. Therefore, it has been classified as a Variant of Uncertain Significance.